The following is an entry in ClinVar:

ClinVar aggregate classification (germline): Uncertain significance. Review status: criteria provided, multiple submitters, no conflicts (2 of 4 stars). 7 submissions from 7 submitters: Uncertain significance (5). 2 of the submissions do not count toward it. Last evaluated 2026-04-27.

Conditions:
Autosomal recessive nonsyndromic hearing loss 2. Also called: DEAFNESS, AUTOSOMAL RECESSIVE 2; NEUROSENSORY NONSYNDROMIC RECESSIVE DEAFNESS 2. Identifiers: Orphanet 90636, MedGen C1838701, MONDO:0010807, OMIM 600060.
Usher syndrome type 1 (USH1). Also called: RETINITIS PIGMENTOSA AND CONGENITAL DEAFNESS. Identifiers: Orphanet 231169, Orphanet 886, MedGen C1568247, MONDO:0010168, OMIM 276900.
Usher syndrome type 1B (USH1B). Also called: Usher syndrome type IB. Identifiers: MedGen C1848638, MONDO:0700087.

Allele frequency attached by ClinVar (database versions not stated): gnomAD 0.00001 and 0.00004; gnomAD exomes 0.00001; TOPMed 0.00002.
gnomAD v4.1: 60 of 1,581,594 alleles (0.0038%); highest among the groups gnomAD compares: East Asian, 0.012%; no homozygotes.

Submissions (7):

Myriad Genetics, Inc.
Classification: Uncertain significance for Usher syndrome type 1. Last evaluated: 2026-04-27. Review status: criteria provided, single submitter. Criteria: Myriad Autosomal Dominant, Autosomal Recessive and X-Linked Classification Criteria (2023). Collection method: clinical testing. Allele origin: unknown.
Comment: NM_000260.3(MYO7A):c.1133G>A(R378H) is a missense variant classified as a variant of uncertain significance in the context of MYO7A-related disorders. R378H has been observed in cases with relevant disease (PMID: 38802577, 40322553). Relevant functional assessments of this variant are not available in the literature. R378H has been observed in referenced population frequency databases. In summary, there is insufficient evidence to classify NM_000260.3(MYO7A):c.1133G>A(R378H) as pathogenic or benign. Please note: this variant was assessed in the context of healthy population screening.

Labcorp Genetics (formerly Invitae), Labcorp
Classification: Uncertain significance. Last evaluated: 2025-03-18. Review status: criteria provided, single submitter. Criteria: Invitae Variant Classification Sherloc (09022015). Collection method: clinical testing. Allele origin: germline.
Comment: This sequence change replaces arginine, which is basic and polar, with histidine, which is basic and polar, at codon 378 of the MYO7A protein (p.Arg378His). The frequency data for this variant in the population databases is considered unreliable, as metrics indicate poor data quality at this position in the gnomAD database. This variant has not been reported in the literature in individuals affected with MYO7A-related conditions. ClinVar contains an entry for this variant (Variation ID: 43136). Invitae Evidence Modeling of protein sequence and biophysical properties (such as structural, functional, and spatial information, amino acid conservation, physicochemical variation, residue mobility, and thermodynamic stability) indicates that this missense variant is not expected to disrupt MYO7A protein function with a negative predictive value of 95%. In summary, the available evidence is currently insufficient to determine the role of this variant in disease. Therefore, it has been classified as a Variant of Uncertain Significance.

Blueprint Genetics
Classification: Uncertain significance. Last evaluated: 2024-09-09. Review status: criteria provided, single submitter. Criteria: ACMG Guidelines, 2015. Collection method: clinical testing. Allele origin: germline.

GeneDx
Classification: Uncertain significance. Last evaluated: 2020-03-13. Review status: criteria provided, single submitter. Criteria: GeneDx Variant Classification Process June 2021. Collection method: clinical testing. Allele origin: germline. Affected: yes.
Comment: Not observed at a significant frequency in large population cohorts (Lek et al., 2016); In silico analysis supports that this missense variant has a deleterious effect on protein structure/function; Has not been previously published as pathogenic or benign to our knowledge

Laboratory for Molecular Medicine, Mass General Brigham Personalized Medicine
Classification: Uncertain significance. Last evaluated: 2012-06-26. Review status: criteria provided, single submitter. Criteria: LMM Criteria. Collection method: clinical testing. Allele origin: germline. Observed: 1 variant allele.
Comment: Variant classified as Uncertain Significance - Favor Benign. The Arg378His varia nt in MYO7A has not been reported in the literature nor previously identified by our laboratory. Computational analyses (biochemical amino acid properties, cons ervation, AlignGVGD, PolyPhen2, and SIFT) suggest that the Arg378His variant may not impact the protein, though this information is not predictive enough to rul e out pathogenicity. In summary, the clinical significance of this variant canno t be determined with certainty.

Natera, Inc.
Classification: Uncertain significance for Usher syndrome type 1B. Last evaluated: 2020-03-20. Review status: no assertion criteria provided. Collection method: clinical testing. Allele origin: germline. Not counted in ClinVar's aggregate classification.

Counsyl
Classification: Uncertain significance for Usher syndrome type 1; Autosomal recessive nonsyndromic hearing loss 2. Last evaluated: 2017-07-05. Review status: no assertion criteria provided. Collection method: clinical testing. Allele origin: unknown. Not counted in ClinVar's aggregate classification.

Literature cited by the submitters: PubMed 38802577 (cited by Myriad Genetics, Inc.); PubMed 40322553 (cited by Myriad Genetics, Inc.).

NM_000260.4(MYO7A):c.1133G>A (p.Arg378His)

Gene: MYO7A (myosin VIIA; plus strand). Cytogenetic location: 11q13.5.
Variant type: single nucleotide variant.
Coding change: c.1133G>A on transcript NM_000260.4 (MANE Select); coding-DNA position 1133, G replaced by A.
Protein change: p.Arg378His; replaces arginine 378 with histidine.
Molecular consequence: missense variant.
Genome position (GRCh38, 1-based): chr11:77,160,215, G>A. VCF-style: chr11-77160215-G-A. GRCh37 (hg19) VCF-style: chr11-76871261-G-A.
Other names: c.1133G>A, p.Arg378His (NM_001127180.2); c.1100G>A, p.Arg367His (NM_001369365.1); short protein forms R378H, R367H.
Identifiers: ClinVar variation 43136 (VCV000043136.17), dbSNP rs397516282, ClinGen allele CA132198.